The following is an entry in ClinVar:

NM_003041.4(SLC5A2):c.1264_1265delinsTG (p.Leu422Trp)

Gene: SLC5A2 (solute carrier family 5 member 2; plus strand). Cytogenetic location: 16p11.2.
Variant type: Indel.
Coding change: c.1264_1265delinsTG on transcript NM_003041.4 (MANE Select); coding-DNA positions 1264 to 1265, CT replaced by TG.
Protein change: p.Leu422Trp; replaces leucine 422 with tryptophan.
Molecular consequence: missense variant.
Genome position (GRCh38, 1-based): chr16:31,488,756-31,488,757, CT replaced by TG. VCF-style: chr16-31488756-CT-TG. GRCh37 (hg19) VCF-style: chr16-31500077-CT-TG.
Other names: short protein forms L422W.
Identifiers: ClinVar variation 5001582 (VCV005001582.1).
Genomic context (GRCh38, chr16:31,488,756, plus strand): 5'-AGCACGCTCTTCACCATGGACATCTACACGCGCCTGCGGCCACGCGCCGGCGACCGCGAG[CT>TG]GCTGCTGGTGGGACGGTGCGGCCTGGGCTCCCCTCCTCCCCAACGGATCAGCCCGGGGCG-3'
Protein context (NP_003032.1, residues 412-432): RLRPRAGDRE[Leu422Trp]LLVGRLWVVF

ClinVar aggregate classification (germline): Uncertain significance (1 of 4 stars; one submission).

Conditions:
SLC5A2-related disorder. Also called: SLC5A2-related condition.

Submission:

PreventionGenetics, part of Exact Sciences
Classification: Uncertain significance for SLC5A2-related condition. Last evaluated: 2025-03-13. Review status: criteria provided, single submitter. Criteria: ACMG Guidelines, 2015. Collection method: clinical testing. Allele origin: germline.
Comment: The SLC5A2 c.1264_1265delinsTG variant is predicted to result in an in-frame deletion and insertion. To our knowledge, this variant has not been reported in the literature or in a large population database (gnomAD), indicating this variant is rare. At this time, the clinical significance of this variant is uncertain due to the absence of conclusive functional and genetic evidence.